The following is an entry in ClinVar:

NM_000548.5(TSC2):c.5161-10A>G

Gene: TSC2 (TSC complex subunit 2; plus strand). Cytogenetic location: 16p13.3.
Variant type: single nucleotide variant.
Coding change: c.5161-10A>G on transcript NM_000548.5 (MANE Select); 10 bases into the intron before coding-DNA position 5161, A replaced by G.
Molecular consequence: intron variant.
Genome position (GRCh38, 1-based): chr16:2,088,217, A>G. VCF-style: chr16-2088217-A-G. GRCh37 (hg19) VCF-style: chr16-2138218-A-G.
Other names: c.5161-10A>G (NM_000548.4); c.5092-10A>G (NM_001114382.3); c.5032-10A>G (NM_021055.3); c.5032-22A>G (NM_001370405.1); c.4963-10A>G (NM_001363528.2); c.5029-10A>G (NM_001370404.1); c.4960-10A>G (NM_001077183.3); c.4852-10A>G (NM_001318827.2); and 3 more.
Identifiers: ClinVar variation 1089485 (VCV001089485.12), dbSNP rs1800718, ClinGen allele CA718904886.

ClinVar aggregate classification (germline): Likely benign. Review status: criteria provided, multiple submitters, no conflicts (2 of 4 stars). 4 submissions from 4 submitters: Likely benign (3). 1 of the submissions does not count toward it. Last evaluated 2025-10-23.

Conditions:
Tuberous sclerosis syndrome (TSC). Also called: Tuberous Sclerosis Complex; Tuberous sclerosis. Identifiers: Orphanet 805, MedGen C0041341, MONDO:0001734.
Tuberous sclerosis 2 (TSC2). Identifiers: Orphanet 805, MedGen C1860707, MONDO:0013199, OMIM 613254.

gnomAD v4.1: 2 of 1,612,814 alleles (0.00012%); highest among the groups gnomAD compares: East Asian, 0.0022%; no homozygotes.

Submissions (4):

Labcorp Genetics (formerly Invitae), Labcorp
Classification: Likely benign for Tuberous sclerosis 2. Last evaluated: 2025-10-23. Review status: criteria provided, single submitter. Criteria: Invitae Variant Classification Sherloc (09022015). Collection method: clinical testing. Allele origin: germline.

Myriad Genetics, Inc.
Classification: Likely benign for Tuberous sclerosis 2. Last evaluated: 2025-06-06. Review status: criteria provided, single submitter. Criteria: Myriad Autosomal Dominant, Autosomal Recessive and X-Linked Classification Criteria (2023). Collection method: clinical testing. Allele origin: unknown.
Comment: This variant is considered likely benign. This variant is intronic and is not expected to impact mRNA splicing.

All of Us Research Program, National Institutes of Health
Classification: Likely benign for Tuberous sclerosis syndrome. Last evaluated: 2023-06-26. Review status: criteria provided, single submitter. Criteria: ACMG Guidelines, 2015. Collection method: clinical testing. Allele origin: germline. Inheritance: Autosomal dominant inheritance. Observed: 1 variant allele, 1 heterozygote.
Comment: This study involves interpretation of variants in research participants for the purpose of population health screening. Participant phenotype was not available at the time of variant classification. Additional details can be found in publication PMID: 35346344, PMCID: PMC8962531

Genetic Services Laboratory, University of Chicago
Classification: Likely benign. Last evaluated: 2022-12-22. Review status: no assertion criteria provided. Collection method: clinical testing. Allele origin: germline. Affected: no. Not counted in ClinVar's aggregate classification.
Comment: DNA sequence analysis of the TSC2 gene demonstrated a sequence change in intron 40, c.5161-10A>G. This change does not appear to have been previously described in individuals with TSC2-related disorders and has also not been described in population databases such as ExAC and gnomAD. This sequence change is not predicted to have a deleterious effect on splicing based on in-silico splice prediction programs. It is possible that this sequence change represents a benign sequence change in the TSC2 gene that has not been identified to date. The functional significance of this sequence change is not known at present and its contribution to this individual's disease phenotype cannot definitively be determined.